The following is an entry in ClinVar:

ClinVar aggregate classification (germline): Uncertain significance (1 of 4 stars; one submission).

Conditions:
Focal segmental glomerulosclerosis 5 (FSGS5). Identifiers: Orphanet 656, MedGen C2750475, MONDO:0013191, OMIM 613237.
Charcot-Marie-Tooth disease dominant intermediate E. Also called: CHARCOT-MARIE-TOOTH NEUROPATHY WITH FOCAL SEGMENTAL GLOMERULONEPHRITIS. Identifiers: Orphanet 93114, MedGen C4302667, MONDO:0013758, OMIM 614455.

Submission:

Labcorp Genetics (formerly Invitae), Labcorp
Classification: Uncertain significance for Charcot-Marie-Tooth disease dominant intermediate E; Focal segmental glomerulosclerosis 5. Last evaluated: 2025-11-22. Review status: criteria provided, single submitter. Criteria: Invitae Variant Classification Sherloc (09022015). Collection method: clinical testing. Allele origin: germline.
Comment: This variant, c.251_337del, results in the deletion of 29 amino acid(s) of the INF2 protein (p.Leu84_Arg112del), but otherwise preserves the integrity of the reading frame. This variant is not present in population databases (gnomAD no frequency). This variant has not been reported in the literature in individuals affected with INF2-related conditions. Experimental studies and prediction algorithms are not available or were not evaluated, and the functional significance of this variant is currently unknown. In summary, the available evidence is currently insufficient to determine the role of this variant in disease. Therefore, it has been classified as a Variant of Uncertain Significance.

NM_022489.4(INF2):c.251_337del (p.Leu84_Arg112del)

Gene: INF2 (inverted formin 2; plus strand). Cytogenetic location: 14q32.33.
Variant type: Deletion.
Coding change: c.251_337del on transcript NM_022489.4 (MANE Select); coding-DNA positions 251 to 337, 87 bases deleted.
Protein change: p.Leu84_Arg112del.
Molecular consequence: non-coding transcript variant (on NR_190061.1).
Genome position (GRCh38, 1-based): chr14:104,701,616-104,701,702, 87 bases deleted. GRCh37 (hg19): chr14:105,167,953-105,168,039.
Other names: c.251_337del, p.Leu84_Arg112del (NM_001031714.4, NM_001426862.1, NM_001426863.1 and 6 more transcripts).
Identifiers: ClinVar variation 4786767 (VCV004786767.1).